The following is an entry in ClinVar:

NM_001122630.2(CDKN1C):c.322C>G (p.Leu108Val)

Gene: CDKN1C (cyclin dependent kinase inhibitor 1C; minus strand). Cytogenetic location: 11p15.4.
Variant type: single nucleotide variant.
Coding change: c.322C>G on transcript NM_001122630.2 (MANE Select); coding-DNA position 322, C replaced by G.
Protein change: p.Leu108Val; replaces leucine 108 with valine.
Molecular consequence: missense variant. On other transcripts: intron variant (1).
Genome position (GRCh38, 1-based): chr11:2,885,135, G>C on the plus strand (C>G on the coding strand, the complement: CDKN1C is on the minus strand). VCF-style: chr11-2885135-G-C. GRCh37 (hg19) VCF-style: chr11-2906365-G-C.
Other names: c.355C>G, p.Leu119Val (NM_000076.2, NM_001362474.2); c.322C>G, p.Leu108Val (NM_001122631.2); c.255+67C>G (NM_001362475.2); short protein forms L108V, L119V.
Identifiers: ClinVar variation 1715075 (VCV001715075.5), dbSNP rs1323156745, ClinGen allele CA379146872.

ClinVar aggregate classification (germline): Uncertain significance (1 of 4 stars; one submission).

Conditions:
Beckwith-Wiedemann syndrome (BWS). Also called: Exomphalos macroglossia gigantism syndrome; EMG SYNDROME. Identifiers: Orphanet 116, MedGen C0004903, MONDO:0007534, OMIM 130650.

Submission:

Labcorp Genetics (formerly Invitae), Labcorp
Classification: Uncertain significance for Beckwith-Wiedemann syndrome. Last evaluated: 2022-08-05. Review status: criteria provided, single submitter. Criteria: Invitae Variant Classification Sherloc (09022015). Collection method: clinical testing. Allele origin: germline.
Comment: In summary, the available evidence is currently insufficient to determine the role of this variant in disease. Therefore, it has been classified as a Variant of Uncertain Significance. Algorithms developed to predict the effect of missense changes on protein structure and function (SIFT, PolyPhen-2, Align-GVGD) all suggest that this variant is likely to be tolerated. This variant has not been reported in the literature in individuals affected with CDKN1C-related conditions. This variant is not present in population databases (gnomAD no frequency). This sequence change replaces leucine, which is neutral and non-polar, with valine, which is neutral and non-polar, at codon 119 of the CDKN1C protein (p.Leu119Val).